The following is an entry in ClinVar:

NM_000138.5(FBN1):c.755_762del (p.Ala252fs)

Gene: FBN1 (fibrillin 1; minus strand). Cytogenetic location: 15q21.1.
Variant type: Deletion.
Coding change: c.755_762del on transcript NM_000138.5 (MANE Select); coding-DNA positions 755 to 762, 8 bases deleted (CCATCCCC; older notation c.755_762delCCATCCCC).
Protein change: p.Ala252fs; shifts the reading frame from alanine 252.
Molecular consequence: frameshift variant.
Genome position (GRCh38, 1-based): chr15:48,534,180-48,534,187, GGGGATGG deleted on the plus strand (CCATCCCC on the coding strand, the reverse complement: FBN1 is on the minus strand). VCF-style (leftmost placement, unchanged base first): chr15-48534179-CGGGGATGG-C. GRCh37 (hg19) VCF-style: chr15-48826376-CGGGGATGG-C.
Other names: short protein forms A252fs.
Identifiers: ClinVar variation 862810 (VCV000862810.9), dbSNP rs2043995821, ClinGen allele CA916082427.

ClinVar aggregate classification (germline): Pathogenic (1 of 4 stars; one submission).

Conditions:
Familial thoracic aortic aneurysm and aortic dissection (TAAD). Also called: Thoracic aortic aneurysms and dissections. Identifiers: Orphanet 91387, MedGen C4707243, MONDO:0019625.
Marfan syndrome (MFS). Also called: FBN1-Related Marfan Syndrome; Marfan's syndrome; MARFAN SYNDROME, TYPE I; Marfan syndrome type 1; Marfan syndrome, classic. Identifiers: Orphanet 284963, Orphanet 558, MedGen C0024796, MONDO:0007947, OMIM 154700.

Submission:

Labcorp Genetics (formerly Invitae), Labcorp
Classification: Pathogenic for Marfan syndrome; Familial thoracic aortic aneurysm and aortic dissection. Last evaluated: 2019-04-24. Review status: criteria provided, single submitter. Criteria: Invitae Variant Classification Sherloc (09022015). Collection method: clinical testing. Allele origin: germline.
Comment: For these reasons, this variant has been classified as Pathogenic. Loss-of-function variants in FBN1 are known to be pathogenic (PMID: 17657824, 19293843). This sequence change creates a premature translational stop signal (p.Ala252Glyfs*10) in the FBN1 gene. It is expected to result in an absent or disrupted protein product. This variant is not present in population databases (ExAC no frequency). This variant has been observed in an individual with clinical features of Marfan syndrome (PMID: 10464652).

Literature cited by the submitters: PubMed 17657824; PubMed 19293843; PubMed 10464652.